The following is an entry in ClinVar:

ClinVar aggregate classification (germline): Uncertain significance (1 of 4 stars; one submission).

gnomAD v4.1: 12 of 1,579,756 alleles (0.00076%); highest among the groups gnomAD compares: Non-Finnish European, 0.001%; no homozygotes.

Submission:

GeneDx
Classification: Uncertain significance. Last evaluated: 2025-07-30. Review status: criteria provided, single submitter. Criteria: GeneDx Variant Classification Process June 2021. Collection method: clinical testing. Allele origin: germline. Affected: yes.
Comment: Has not been previously published as pathogenic or benign to our knowledge; Not observed at significant frequency in large population cohorts (gnomAD); In silico analysis supports that this missense variant has a deleterious effect on protein structure/function

NM_000360.4(TH):c.973G>C (p.Glu325Gln)

Gene: TH (tyrosine hydroxylase; minus strand). Cytogenetic location: 11p15.5.
Variant type: single nucleotide variant.
Coding change: c.973G>C on transcript NM_000360.4 (MANE Select); coding-DNA position 973, G replaced by C.
Protein change: p.Glu325Gln; replaces glutamic acid 325 with glutamine.
Molecular consequence: missense variant. On other transcripts: intron variant (2).
Genome position (GRCh38, 1-based): chr11:2,166,637, C>G on the plus strand (G>C on the coding strand, the complement: TH is on the minus strand). VCF-style: chr11-2166637-C-G. GRCh37 (hg19) VCF-style: chr11-2187867-C-G.
Other names: c.985G>C, p.Glu329Gln (NM_001440535.1); c.1066G>C, p.Glu356Gln (NM_199292.3); c.1054G>C, p.Glu352Gln (NM_199293.3); c.696-88G>C (NM_001440537.1); c.708-88G>C (NM_001440536.1); short protein forms E325Q, E329Q, E352Q, E356Q.
Identifiers: ClinVar variation 4690066 (VCV004690066.1).
Genomic context (GRCh38, chr11:2,166,637, plus strand): 5'-AGGGGCCGCCCGTCGCACCCCCCACCCTCGGGCTGGCGGCCAGGGCGCGCACTCACGGCT[C>G]AGGGGAGTGCATGGGCGAGGACGCGTGGCGGATATACTGGGTGCACTGGAACACGCGGAA-3'
Protein context (NP_000351.2, residues 315-335): RHASSPMHSP[Glu325Gln]PDCCHELLGH